The following is an entry in ClinVar:

ClinVar aggregate classification (germline): Likely benign. Review status: criteria provided, multiple submitters, no conflicts (2 of 4 stars). 3 submissions from 3 submitters: Likely benign (3). Last evaluated 2026-02-01.

Conditions:
Symmetrical dyschromatosis of extremities (DSH). Also called: Dyschromatosis symmetrica hereditaria; RETICULATE ACROPIGMENTATION OF DOHI; SYMMETRIC DYSCHROMATOSIS OF THE EXTREMITIES; DYSCHROMATOSIS SYMMETRICA HEREDITARIA 1. Identifiers: Orphanet 41, MedGen C0406775, MONDO:0007483, OMIM 127400.
Aicardi-Goutieres syndrome 6 (AGS6). Identifiers: Orphanet 51, MedGen C3539013, MONDO:0014007, OMIM 615010.

Allele frequency attached by ClinVar (database versions not stated): gnomAD 0.00001 and 0.00006; TOPMed 0.00001; gnomAD exomes 0.00002 and 0.00003; ExAC 0.00003; 1000 Genomes Project 0.00040; 1000 Genomes Project 30x 0.00047.
gnomAD v4.1: 53 of 1,614,206 alleles (0.0033%); highest among the groups gnomAD compares: South Asian, 0.038%; 1 homozygote.

Submissions (3):

CeGaT Center for Human Genetics Tuebingen
Classification: Likely benign. Last evaluated: 2026-02-01. Review status: criteria provided, single submitter. Criteria: CeGaT Center For Human Genetics Tuebingen Variant Classification Criteria Version 2. Collection method: clinical testing. Allele origin: germline. Affected: yes. Observed: 1 variant allele.
Comment: ADAR: BP4, BP7

Labcorp Genetics (formerly Invitae), Labcorp
Classification: Likely benign for Aicardi-Goutieres syndrome 6; Symmetrical dyschromatosis of extremities. Last evaluated: 2025-12-08. Review status: criteria provided, single submitter. Criteria: Invitae Variant Classification Sherloc (09022015). Collection method: clinical testing. Allele origin: germline.

Blueprint Genetics
Classification: Likely benign. Last evaluated: 2023-09-13. Review status: criteria provided, single submitter. Criteria: ACMG Guidelines, 2015. Collection method: clinical testing. Allele origin: germline.

NM_001111.5(ADAR):c.594G>A (p.Ala198=)

Gene: ADAR (adenosine deaminase RNA specific; minus strand). Cytogenetic location: 1q21.3.
Variant type: single nucleotide variant.
Coding change: c.594G>A on transcript NM_001111.5 (MANE Select); coding-DNA position 594, G replaced by A.
Protein change: p.Ala198=; no amino-acid change (alanine 198 retained).
Molecular consequence: synonymous variant. On other transcripts: 5 prime UTR variant (6).
Genome position (GRCh38, 1-based): chr1:154,602,048, C>T on the plus strand (G>A on the coding strand, the complement: ADAR is on the minus strand). VCF-style: chr1-154602048-C-T. GRCh37 (hg19) VCF-style: chr1-154574524-C-T.
Other names: c.594G>A, p.Ala198= (LRG_1212t1, NM_015840.4, NM_015841.4); c.-292G>A (NM_001025107.3, NM_001193495.2, NM_001365046.1 and 3 more transcripts); c.621G>A, p.Ala207= (NM_001365045.1).
Identifiers: ClinVar variation 473052 (VCV000473052.14), dbSNP rs563756226, ClinGen allele CA1131675.